The following is an entry in ClinVar:

ClinVar aggregate classification (germline): Uncertain significance. Review status: criteria provided, multiple submitters, no conflicts (2 of 4 stars). 2 submissions from 2 submitters: Uncertain significance (2). Last evaluated 2023-05-15.

Conditions:
Inborn genetic diseases. Identifiers: MedGen C0950123, MeSH D030342.

Allele frequency attached by ClinVar (database versions not stated): ExAC 0.00001; gnomAD 0.00001.
gnomAD v4.1: 2 of 1,613,800 alleles (0.00012%); highest among the groups gnomAD compares: South Asian, 0.0022%; no homozygotes.

Submissions (2):

Labcorp Genetics (formerly Invitae), Labcorp
Classification: Uncertain significance. Last evaluated: 2023-05-15. Review status: criteria provided, single submitter. Criteria: Invitae Variant Classification Sherloc (09022015). Collection method: clinical testing. Allele origin: germline.
Comment: This variant is present in population databases (rs745907280, gnomAD 0.003%). This sequence change replaces proline, which is neutral and non-polar, with leucine, which is neutral and non-polar, at codon 74 of the TPP1 protein (p.Pro74Leu). In summary, the available evidence is currently insufficient to determine the role of this variant in disease. Therefore, it has been classified as a Variant of Uncertain Significance. Advanced modeling of protein sequence and biophysical properties (such as structural, functional, and spatial information, amino acid conservation, physicochemical variation, residue mobility, and thermodynamic stability) has been performed at Invitae for this missense variant, however the output from this modeling did not meet the statistical confidence thresholds required to predict the impact of this variant on TPP1 protein function. ClinVar contains an entry for this variant (Variation ID: 2098684). This variant has not been reported in the literature in individuals affected with TPP1-related conditions.

Ambry Genetics
Classification: Uncertain significance for Inborn genetic diseases. Last evaluated: 2021-08-12. Review status: criteria provided, single submitter. Criteria: Ambry Variant Classification Scheme 2023. Collection method: clinical testing. Allele origin: germline.

NM_000391.4(TPP1):c.221C>T (p.Pro74Leu)

Gene: TPP1 (tripeptidyl peptidase 1; minus strand). Cytogenetic location: 11p15.4.
Variant type: single nucleotide variant.
Coding change: c.221C>T on transcript NM_000391.4 (MANE Select); coding-DNA position 221, C replaced by T.
Protein change: p.Pro74Leu; replaces proline 74 with leucine.
Molecular consequence: missense variant.
Genome position (GRCh38, 1-based): chr11:6,618,784, G>A on the plus strand (C>T on the coding strand, the complement: TPP1 is on the minus strand). VCF-style: chr11-6618784-G-A. GRCh37 (hg19) VCF-style: chr11-6640015-G-A.
Other names: short protein forms P74L.
Identifiers: ClinVar variation 2098684 (VCV002098684.5), dbSNP rs745907280, ClinGen allele CA5859028.